The following is an entry in ClinVar:

ClinVar aggregate classification (germline): Uncertain significance (1 of 4 stars; one submission).

Conditions:
Familial thoracic aortic aneurysm and aortic dissection (TAAD). Also called: Thoracic aortic aneurysms and dissections. Identifiers: Orphanet 91387, MedGen C4707243, MONDO:0019625.

Submission:

Labcorp Genetics (formerly Invitae), Labcorp
Classification: Uncertain significance for Familial thoracic aortic aneurysm and aortic dissection. Last evaluated: 2021-09-24. Review status: criteria provided, single submitter. Criteria: Invitae Variant Classification Sherloc (09022015). Collection method: clinical testing. Allele origin: germline.
Comment: This variant has not been reported in the literature in individuals affected with SMAD3-related conditions. This variant is not present in population databases (ExAC no frequency). This variant, c.790_792dup, results in the insertion of 1 amino acid(s) to the SMAD3 protein (p.Ser264dup), but otherwise preserves the integrity of the reading frame. Experimental studies and prediction algorithms are not available or were not evaluated, and the functional significance of this variant is currently unknown. In summary, the available evidence is currently insufficient to determine the role of this variant in disease. Therefore, it has been classified as a Variant of Uncertain Significance.

NM_005902.4(SMAD3):c.790_792dup (p.Ser264dup)

Gene: SMAD3 (SMAD family member 3; plus strand). Cytogenetic location: 15q22.33.
Variant type: Duplication.
Coding change: c.790_792dup on transcript NM_005902.4 (MANE Select); coding-DNA positions 790 to 792, 3 bases duplicated (TCC; older notation c.790_792dupTCC).
Protein change: p.Ser264dup; duplicates serine 264.
Molecular consequence: inframe insertion.
Genome position (GRCh38, 1-based): chr15:67,181,372-67,181,374, TCC duplicated; duplicating any 3 consecutive bases within chr15:67,181,370-67,181,374 gives the same sequence; the c. name uses the placement nearest the transcript's 3' end. VCF-style (leftmost placement, unchanged base first): chr15-67181369-C-CCCT. GRCh37 (hg19) VCF-style: chr15-67473707-C-CCCT.
Other names: c.475_477dup, p.Ser159dup (NM_001145102.2); c.658_660dup, p.Ser220dup (NM_001145103.2); c.205_207dup, p.Ser69dup (NM_001145104.2).
Identifiers: ClinVar variation 1468166 (VCV001468166.6), dbSNP rs2140314233, ClinGen allele CA2573151102.